The following is an entry in ClinVar:

NM_080424.4(SP110):c.719A>G (p.Glu240Gly)

Genes: SP110 (SP110 nuclear body protein; minus strand), SP140 (SP140 nuclear body protein; plus strand). Cytogenetic location: 2q37.1.
Variant type: single nucleotide variant.
Coding change: c.719A>G on transcript NM_080424.4 (MANE Select); coding-DNA position 719, A replaced by G.
Protein change: p.Glu240Gly; replaces glutamic acid 240 with glycine.
Molecular consequence: missense variant.
Genome position (GRCh38, 1-based): chr2:230,211,502, T>C on the plus strand (A>G on the coding strand, the complement: SP110 is on the minus strand). VCF-style: chr2-230211502-T-C. GRCh37 (hg19) VCF-style: chr2-231076217-T-C.
Other names: c.719A>G (NM_004509.3); c.737A>G, p.Glu246Gly (NM_001185015.2, NM_001378442.1, NM_001378444.1 and 2 more transcripts); c.719A>G, p.Glu240Gly (NM_001378443.1, NM_001378447.1, NM_004509.5 and 1 more transcripts); short protein forms E240G, E246G.
Identifiers: ClinVar variation 2072238 (VCV002072238.2), dbSNP rs201442851, ClinGen allele CA2154753.

ClinVar aggregate classification (germline): Uncertain significance. Review status: criteria provided, multiple submitters, no conflicts (2 of 4 stars). 2 submissions from 2 submitters: Uncertain significance (2). Last evaluated 2025-08-28.

Conditions:
Inborn genetic diseases. Identifiers: MedGen C0950123, MeSH D030342.
Hepatic veno-occlusive disease-immunodeficiency syndrome. Also called: Hepatic Veno-Occlusive Disease with Immunodeficiency. Identifiers: Orphanet 79124, MedGen C1856128, MONDO:0009338, OMIM 235550. Disease mechanism: loss of function.

Allele frequency attached by ClinVar (database versions not stated): ExAC 0.00002; gnomAD 0.00003; TOPMed 0.00005; gnomAD exomes 0.00006.
gnomAD v4.1: 99 of 1,611,366 alleles (0.0061%); highest among the groups gnomAD compares: Non-Finnish European, 0.0076%; no homozygotes.

Submissions (2):

Ambry Genetics
Classification: Uncertain significance for Inborn genetic diseases. Last evaluated: 2025-08-28. Review status: criteria provided, single submitter. Criteria: Ambry Variant Classification Scheme 2023. Collection method: clinical testing. Allele origin: germline.

Labcorp Genetics (formerly Invitae), Labcorp
Classification: Uncertain significance for Hepatic veno-occlusive disease-immunodeficiency syndrome. Last evaluated: 2022-06-08. Review status: criteria provided, single submitter. Criteria: Invitae Variant Classification Sherloc (09022015). Collection method: clinical testing. Allele origin: germline.
Comment: This sequence change replaces glutamic acid, which is acidic and polar, with glycine, which is neutral and non-polar, at codon 240 of the SP110 protein (p.Glu240Gly). This variant is present in population databases (rs201442851, gnomAD 0.007%). This variant has not been reported in the literature in individuals affected with SP110-related conditions. Algorithms developed to predict the effect of missense changes on protein structure and function are either unavailable or do not agree on the potential impact of this missense change (SIFT: "Deleterious"; PolyPhen-2: "Benign"; Align-GVGD: "Class C0"). In summary, the available evidence is currently insufficient to determine the role of this variant in disease. Therefore, it has been classified as a Variant of Uncertain Significance.